The following is an entry in ClinVar:

ClinVar aggregate classification (germline): Uncertain significance (1 of 4 stars; one submission).

Submission:

GeneDx
Classification: Uncertain significance. Last evaluated: 2025-03-14. Review status: criteria provided, single submitter. Criteria: GeneDx Variant Classification Process June 2021. Collection method: clinical testing. Allele origin: germline. Affected: yes.
Comment: Not observed at significant frequency in large population cohorts (gnomAD); In silico analysis supports that this missense variant has a deleterious effect on protein structure/function; Has not been previously published as pathogenic or benign to our knowledge

NM_001128840.3(CACNA1D):c.1231A>G (p.Lys411Glu)

Gene: CACNA1D (calcium voltage-gated channel subunit alpha1 D; plus strand). Cytogenetic location: 3p21.1.
Variant type: single nucleotide variant.
Coding change: c.1231A>G on transcript NM_001128840.3 (MANE Select); coding-DNA position 1231, A replaced by G.
Protein change: p.Lys411Glu; replaces lysine 411 with glutamic acid.
Molecular consequence: missense variant.
Genome position (GRCh38, 1-based): chr3:53,702,651, A>G. VCF-style: chr3-53702651-A-G. GRCh37 (hg19) VCF-style: chr3-53736678-A-G.
Other names: c.1231A>G, p.Lys411Glu (NM_000720.4, NM_001128839.3); short protein forms K411E.
Identifiers: ClinVar variation 4083159 (VCV004083159.1).